The following is an entry in ClinVar:

ClinVar aggregate classification (germline): Likely pathogenic (1 of 4 stars; one submission).

Conditions:
Microcephaly, normal intelligence and immunodeficiency (NBS). Also called: Ataxia telangiectasia variant V1; IMMUNODEFICIENCY, MICROCEPHALY, AND CHROMOSOMAL INSTABILITY; SEEMANOVA SYNDROME II; Immunodeficiency, microcephaly with normal intelligence; Nijmegen breakage syndrome; Microcephaly with normal intelligence immunodeficiency and lymphoreticular malignancies. Identifiers: Orphanet 647, MedGen C0398791, MONDO:0009623, OMIM 251260.

Submission:

Myriad Genetics, Inc.
Classification: Likely pathogenic for Microcephaly, normal intelligence and immunodeficiency. Last evaluated: 2022-02-21. Review status: criteria provided, single submitter. Criteria: Myriad Women's Health Autosomal Recessive and X-Linked Classification Criteria (2021). Collection method: clinical testing. Allele origin: unknown.
Comment: NM_002485.4(NBN):c.1640C>A(S547*) is expected to be pathogenic in the context of Nijmegen breakage syndrome. This variant is predicted to lead to an abnormal or absent protein product due to the creation of a premature termination codon in NBN, a gene where loss-of-function variants are known to be pathogenic. Please note: this variant was assessed in the context of healthy population screening.

NM_002485.5(NBN):c.1640C>A (p.Ser547Ter)

Gene: NBN (nibrin; minus strand). Cytogenetic location: 8q21.3.
Variant type: single nucleotide variant.
Coding change: c.1640C>A on transcript NM_002485.5 (MANE Select); coding-DNA position 1640, C replaced by A.
Protein change: p.Ser547Ter; replaces serine 547 with a stop codon.
Molecular consequence: nonsense.
Genome position (GRCh38, 1-based): chr8:89,953,449, G>T on the plus strand (C>A on the coding strand, the complement: NBN is on the minus strand). VCF-style: chr8-89953449-G-T. GRCh37 (hg19) VCF-style: chr8-90965677-G-T.
Other names: c.1394C>A, p.Ser465Ter (NM_001024688.3); short protein forms S465*, S547*.
Identifiers: ClinVar variation 1726956 (VCV001726956.2), dbSNP rs1418547527, ClinGen allele CA371655424.
Genomic context (GRCh38, chr8:89,953,449, plus strand): 5'-AATAACTGTTCCAATACTTCATCTTCTATGGCCACATCATCCATTTCCCTTTTTTTATTT[G>T]ATCTTAGCTTTTCTGCAGCATGAGATTTACTGGCAGAATTTTTCACAATAGATTTTAAAT-3'